The following is an entry in ClinVar:

NM_001081.4(CUBN):c.8479G>A (p.Glu2827Lys)

Gene: CUBN (cubilin; minus strand). Cytogenetic location: 10p13.
Variant type: single nucleotide variant.
Coding change: c.8479G>A on transcript NM_001081.4 (MANE Select); coding-DNA position 8479, G replaced by A.
Protein change: p.Glu2827Lys; replaces glutamic acid 2827 with lysine.
Molecular consequence: missense variant.
Genome position (GRCh38, 1-based): chr10:16,899,115, C>T on the plus strand (G>A on the coding strand, the complement: CUBN is on the minus strand). VCF-style: chr10-16899115-C-T. GRCh37 (hg19) VCF-style: chr10-16941114-C-T.
Other names: short protein forms E2827K.
Identifiers: ClinVar variation 299402 (VCV000299402.16), dbSNP rs373893072, ClinGen allele CA5423013.
Genomic context (GRCh38, chr10:16,899,115, plus strand): 5'-AGCTGATCTCCAAGTGTTTACTTTTGTGAGTAATGGCCGTCCAGGAACATCTGCTGTTTT[C>T]GGGAAAATTCTGAGGCCAGTGAGGGGATCTGATTGTACCATTATCAGAATGAAATATTCC-3'
Protein context (NP_001072.2, residues 2817-2837): RSPHWPQNFP[Glu2827Lys]NSRCSWTAIT

ClinVar aggregate classification (germline): Conflicting classifications of pathogenicity. Review status: criteria provided, conflicting classifications (1 of 4 stars). 4 submissions from 4 submitters: Uncertain significance (1); Likely benign (2). 1 of the submissions does not count toward it. Last evaluated 2025-06-23.

Conditions:
CUBN-related disorder. Also called: CUBN-related condition.
Imerslund-Grasbeck syndrome type 1 (IGS1). Also called: Megaloblastic anemia 1, Finnish type; MEGALOBLASTIC ANEMIA, 1; Imerslund-Gräsbeck syndrome 1. Identifiers: MedGen C4016819, MONDO:0100156, OMIM 261100.
Imerslund-Grasbeck syndrome. Also called: Megaloblastic anemia due to inborn errors of metabolism; Imerslund-Gräsbeck syndrome; ENTEROCYTE COBALAMIN MALABSORPTION; ENTEROCYTE INTRINSIC FACTOR RECEPTOR, DEFECT OF; PERNICIOUS ANEMIA, JUVENILE, DUE TO SELECTIVE INTESTINAL MALABSORPTION OF VITAMIN B12, WITH PROTEINURIA. Identifiers: Orphanet 35858, MedGen C4551825, MONDO:0009853.
Inborn genetic diseases. Identifiers: MedGen C0950123, MeSH D030342.

Allele frequency attached by ClinVar (database versions not stated): ESP Exome Variant Server 0.00008; gnomAD exomes 0.00038 and 0.00022; ExAC 0.00041; gnomAD 0.00005 and 0.00001; 1000 Genomes Project 0.00080; TOPMed 0.00004; 1000 Genomes Project 30x 0.00062.
gnomAD v4.1: 326 of 1,613,902 alleles (0.02%); highest among the groups gnomAD compares: South Asian, 0.3%; no homozygotes.

Submissions (4):

Ambry Genetics
Classification: Likely benign for Inborn genetic diseases. Last evaluated: 2025-06-23. Review status: criteria provided, single submitter. Criteria: Ambry Variant Classification Scheme 2023. Collection method: clinical testing. Allele origin: germline.

Labcorp Genetics (formerly Invitae), Labcorp
Classification: Likely benign for Imerslund-Grasbeck syndrome. Last evaluated: 2024-01-02. Review status: criteria provided, single submitter. Criteria: Invitae Variant Classification Sherloc (09022015). Collection method: clinical testing. Allele origin: germline.

Illumina Laboratory Services, Illumina
Classification: Uncertain significance for Imerslund-Grasbeck syndrome type 1. Last evaluated: 2018-01-12. Review status: criteria provided, single submitter. Criteria: ICSL Variant Classification Criteria 13 December 2019. Collection method: clinical testing. Allele origin: germline.

PreventionGenetics, part of Exact Sciences
Classification: Likely benign for CUBN-related condition. Last evaluated: 2024-01-03. Review status: no assertion criteria provided. Collection method: clinical testing. Allele origin: germline. Not counted in ClinVar's aggregate classification.
Comment: This variant is classified as likely benign based on ACMG/AMP sequence variant interpretation guidelines (Richards et al. 2015 PMID: 25741868, with internal and published modifications).